The following is an entry in ClinVar:

ClinVar aggregate classification (germline): Uncertain significance (1 of 4 stars; one submission).

Conditions:
Nephronophthisis 15 (NPHP15). Identifiers: Orphanet 3156, MedGen C3541853, MONDO:0013917, OMIM 614845.

Allele frequency attached by ClinVar (database versions not stated): gnomAD exomes below 0.00001; TOPMed 0.00001.
gnomAD v4.1: 1 of 1,614,146 alleles (0.000062%); highest among the groups gnomAD compares: African/African-American, 0.0013%; no homozygotes.

Submission:

Labcorp Genetics (formerly Invitae), Labcorp
Classification: Uncertain significance for Nephronophthisis 15. Last evaluated: 2022-09-06. Review status: criteria provided, single submitter. Criteria: Invitae Variant Classification Sherloc (09022015). Collection method: clinical testing. Allele origin: germline.
Comment: This sequence change replaces tryptophan, which is neutral and slightly polar, with cysteine, which is neutral and slightly polar, at codon 1419 of the CEP164 protein (p.Trp1419Cys). This variant is not present in population databases (gnomAD no frequency). This variant has not been reported in the literature in individuals affected with CEP164-related conditions. Algorithms developed to predict the effect of missense changes on protein structure and function (SIFT, PolyPhen-2, Align-GVGD) all suggest that this variant is likely to be disruptive. In summary, the available evidence is currently insufficient to determine the role of this variant in disease. Therefore, it has been classified as a Variant of Uncertain Significance.

NM_014956.5(CEP164):c.4257G>T (p.Trp1419Cys)

Gene: CEP164 (centrosomal protein 164; plus strand). Cytogenetic location: 11q23.3.
Variant type: single nucleotide variant.
Coding change: c.4257G>T on transcript NM_014956.5 (MANE Select); coding-DNA position 4257, G replaced by T.
Protein change: p.Trp1419Cys; replaces tryptophan 1419 with cysteine.
Molecular consequence: missense variant.
Genome position (GRCh38, 1-based): chr11:117,411,888, G>T. VCF-style: chr11-117411888-G-T. GRCh37 (hg19) VCF-style: chr11-117282604-G-T.
Other names: c.4242G>T, p.Trp1414Cys (NM_001271933.2); short protein forms W1419C, W1414C.
Identifiers: ClinVar variation 1960745 (VCV001960745.4), dbSNP rs1451222844, ClinGen allele CA382746233.